The following is an entry in ClinVar:

NM_000051.4(ATM):c.6652A>G (p.Ser2218Gly)

Genes: ATM (ATM serine/threonine kinase; plus strand), C11orf65 (chromosome 11 open reading frame 65; minus strand). Cytogenetic location: 11q22.3.
Variant type: single nucleotide variant.
Coding change: c.6652A>G on transcript NM_000051.4 (MANE Select); coding-DNA position 6652, A replaced by G.
Protein change: p.Ser2218Gly; replaces serine 2218 with glycine.
Molecular consequence: missense variant. On other transcripts: intron variant (2).
Genome position (GRCh38, 1-based): chr11:108,325,389, A>G. VCF-style: chr11-108325389-A-G. GRCh37 (hg19) VCF-style: chr11-108196116-A-G.
Other names: c.6652A>G, p.Ser2218Gly (NM_001351834.2); c.641-16318T>C (NM_001330368.2); c.*38+9831T>C (NM_001351110.2); short protein forms S2218G.
Identifiers: ClinVar variation 1524764 (VCV001524764.6), dbSNP rs749261367, ClinGen allele CA382554822.

ClinVar aggregate classification (germline): Uncertain significance (1 of 4 stars; one submission).

Conditions:
Ataxia-telangiectasia syndrome (AT). Also called: LOUIS-BAR SYNDROME; Cerebello-oculocutaneous telangiectasia; Immunodeficiency with ataxia telangiectasia; Ataxia telangiectasia (A-T); Ataxia-telangiectasia, complementation group D; AT, COMPLEMENTATION GROUP C. Identifiers: Orphanet 100, MedGen C0004135, MONDO:0008840, OMIM 208900.

Submission:

Labcorp Genetics (formerly Invitae), Labcorp
Classification: Uncertain significance for Ataxia-telangiectasia syndrome. Last evaluated: 2021-10-21. Review status: criteria provided, single submitter. Criteria: Invitae Variant Classification Sherloc (09022015). Collection method: clinical testing. Allele origin: germline.
Comment: This variant has not been reported in the literature in individuals affected with ATM-related conditions. In summary, the available evidence is currently insufficient to determine the role of this variant in disease. Therefore, it has been classified as a Variant of Uncertain Significance. Advanced modeling of protein sequence and biophysical properties (such as structural, functional, and spatial information, amino acid conservation, physicochemical variation, residue mobility, and thermodynamic stability) performed at Invitae indicates that this missense variant is not expected to disrupt ATM protein function. This variant is not present in population databases (ExAC no frequency). This sequence change replaces serine with glycine at codon 2218 of the ATM protein (p.Ser2218Gly). The serine residue is weakly conserved and there is a small physicochemical difference between serine and glycine.